The following is an entry in ClinVar:

ClinVar aggregate classification (germline): Uncertain significance. Review status: criteria provided, multiple submitters, no conflicts (2 of 4 stars). 2 submissions from 2 submitters: Uncertain significance (2). Last evaluated 2025-05-10.

Conditions:
Ataxia-telangiectasia-like disorder (ATLD). Identifiers: MedGen C1858391, MONDO:0011457.
Hereditary cancer-predisposing syndrome. Also called: Neoplastic Syndromes, Hereditary; Tumor predisposition; Hereditary Cancer Syndrome; Hereditary neoplastic syndrome. Identifiers: Orphanet 140162, MedGen C0027672, MeSH D009386, MONDO:0015356.

Submissions (2):

Ambry Genetics
Classification: Uncertain significance for Hereditary cancer-predisposing syndrome. Last evaluated: 2025-05-10. Review status: criteria provided, single submitter. Criteria: Ambry Variant Classification Scheme 2023. Collection method: clinical testing. Allele origin: germline.
Comment: The p.G58S variant (also known as c.172G>A), located in coding exon 3 of the MRE11A gene, results from a G to A substitution at nucleotide position 172. The glycine at codon 58 is replaced by serine, an amino acid with similar properties. This amino acid position is conserved. In addition, this alteration is predicted to be deleterious by in silico analysis. Since supporting evidence is limited at this time, the clinical significance of this alteration remains unclear.

Labcorp Genetics (formerly Invitae), Labcorp
Classification: Uncertain significance for Ataxia-telangiectasia-like disorder. Last evaluated: 2023-04-20. Review status: criteria provided, single submitter. Criteria: Invitae Variant Classification Sherloc (09022015). Collection method: clinical testing. Allele origin: germline.
Comment: In summary, the available evidence is currently insufficient to determine the role of this variant in disease. Therefore, it has been classified as a Variant of Uncertain Significance. Algorithms developed to predict the effect of sequence changes on RNA splicing suggest that this variant may disrupt the consensus splice site. An algorithm developed to predict the effect of missense changes on protein structure and function (PolyPhen-2) suggests that this variant is likely to be disruptive. ClinVar contains an entry for this variant (Variation ID: 1800077). This variant has not been reported in the literature in individuals affected with MRE11-related conditions. This variant is not present in population databases (gnomAD no frequency). This sequence change replaces glycine, which is neutral and non-polar, with serine, which is neutral and polar, at codon 58 of the MRE11 protein (p.Gly58Ser).

NM_005591.4(MRE11):c.172G>A (p.Gly58Ser)

Gene: MRE11 (MRE11 double strand break repair nuclease; minus strand). Cytogenetic location: 11q21.
Variant type: single nucleotide variant.
Coding change: c.172G>A on transcript NM_005591.4 (MANE Select); coding-DNA position 172, G replaced by A.
Protein change: p.Gly58Ser; replaces glycine 58 with serine.
Molecular consequence: missense variant.
Genome position (GRCh38, 1-based): chr11:94,486,066, C>T on the plus strand (G>A on the coding strand, the complement: MRE11 is on the minus strand). VCF-style: chr11-94486066-C-T. GRCh37 (hg19) VCF-style: chr11-94219232-C-T.
Other names: c.172G>A, p.Gly58Ser (NM_001330347.2, NM_005590.4); short protein forms G58S.
Identifiers: ClinVar variation 1800077 (VCV001800077.6), dbSNP rs2496621558, ClinGen allele CA382379903.